The following is an entry in ClinVar:

NM_001258392.3(CLPB):c.361G>T (p.Ala121Ser)

Gene: CLPB (ClpB family mitochondrial disaggregase; minus strand). Cytogenetic location: 11q13.4.
Variant type: single nucleotide variant.
Coding change: c.361G>T on transcript NM_001258392.3 (MANE Select); coding-DNA position 361, G replaced by T.
Protein change: p.Ala121Ser; replaces alanine 121 with serine.
Molecular consequence: missense variant.
Genome position (GRCh38, 1-based): chr11:72,434,114, C>A on the plus strand (G>T on the coding strand, the complement: CLPB is on the minus strand). VCF-style: chr11-72434114-C-A. GRCh37 (hg19) VCF-style: chr11-72145158-C-A.
Other names: c.361G>T, p.Ala121Ser (NM_001258393.3, NM_030813.6); c.119G>T, p.Ser40Ile (NM_001258394.3); short protein forms A121S, S40I.
Identifiers: ClinVar variation 1898866 (VCV001898866.5), dbSNP rs374780915, ClinGen allele CA6171618.
Genomic context (GRCh38, chr11:72,434,114, plus strand): 5'-CCCAGATCTCATAATCACCCTTGTTGGACGGACTCTTGCTGTAGCAATGAACCACCAGCG[C>A]TGCGGCCAGGGCGCACATGCCCAGTCCGGCCCTGCTGGGGACCCCGTTCCAGCTGTCCTG-3'
Protein context (NP_001245321.1, residues 111-131): AGLGMCALAA[Ala121Ser]LVVHCYSKSP

ClinVar aggregate classification (germline): Uncertain significance (1 of 4 stars; one submission).

Conditions:
3-methylglutaconic aciduria, type VIIB (MGCA7B). Also called: CLPB Deficiency; 3-methylglutaconic aciduria with cataracts, neurologic involvement and neutropenia; 3-methylglutaconic aciduria, type VII, with cataracts, neurologic involvement and neutropenia. Identifiers: Orphanet 445038, MedGen C5676893, MONDO:0014561, OMIM 616271.

Allele frequency attached by ClinVar (database versions not stated): gnomAD exomes below 0.00001; ExAC 0.00001; gnomAD 0.00004; TOPMed 0.00004; ESP Exome Variant Server 0.00008.

Submission:

Labcorp Genetics (formerly Invitae), Labcorp
Classification: Uncertain significance for 3-methylglutaconic aciduria, type VIIB. Last evaluated: 2024-09-04. Review status: criteria provided, single submitter. Criteria: Invitae Variant Classification Sherloc (09022015). Collection method: clinical testing. Allele origin: germline.
Comment: This sequence change replaces alanine, which is neutral and non-polar, with serine, which is neutral and polar, at codon 121 of the CLPB protein (p.Ala121Ser). This variant is present in population databases (rs374780915, gnomAD 0.007%). This variant has not been reported in the literature in individuals affected with CLPB-related conditions. ClinVar contains an entry for this variant (Variation ID: 1898866). An algorithm developed to predict the effect of missense changes on protein structure and function (PolyPhen-2) suggests that this variant is likely to be disruptive. In summary, the available evidence is currently insufficient to determine the role of this variant in disease. Therefore, it has been classified as a Variant of Uncertain Significance.